The following is an entry in ClinVar:

NM_005334.3(HCFC1):c.6029C>G (p.Thr2010Ser)

Gene: HCFC1 (host cell factor C1; minus strand). Cytogenetic location: Xq28.
Variant type: single nucleotide variant.
Coding change: c.6029C>G on transcript NM_005334.3 (MANE Select); coding-DNA position 6029, C replaced by G.
Protein change: p.Thr2010Ser; replaces threonine 2010 with serine.
Molecular consequence: missense variant.
Genome position (GRCh38, 1-based): chrX:153,949,592, G>C on the plus strand (C>G on the coding strand, the complement: HCFC1 is on the minus strand). VCF-style: chrX-153949592-G-C. GRCh37 (hg19) VCF-style: chrX-153215043-G-C.
Other names: c.6164C>G, p.Thr2055Ser (NM_001410705.1); short protein forms T2010S, T2055S.
Identifiers: ClinVar variation 2757491 (VCV002757491.3), dbSNP rs2521430913, ClinGen allele CA415101970.
Genomic context (GRCh38, chrX:153,949,592, plus strand): 5'-CGAGAGGGGCTTCCTGCTTACATTTCTGGAGAGGACATGGGCCGCTTGTTGGCTGGCTTG[G>C]TGCCAGAGCTGTCTTTACTGGTTTCTGGAAGGAACGGGAGAGATGCGTGAGCAGCATTGT-3'
Protein context (NP_005325.2, residues 2000-2020): LQETSKDSSG[Thr2010Ser]KPANKRPMSS

ClinVar aggregate classification (germline): Uncertain significance (1 of 4 stars; one submission).

Conditions:
Methylmalonic acidemia with homocystinuria, type cblX (MAHCX). Also called: INTELLECTUAL DEVELOPMENTAL DISORDER, X-LINKED 3. Identifiers: Orphanet 369962, MedGen C0796208, MONDO:0010657, OMIM 309541.

Allele frequency attached by ClinVar (database versions not stated): gnomAD exomes below 0.00001.
gnomAD v4.1: 1 of 1,210,796 alleles (0.000083%); highest among the groups gnomAD compares: Non-Finnish European, 0.00011%; no homozygotes.

Submission:

Labcorp Genetics (formerly Invitae), Labcorp
Classification: Uncertain significance for Methylmalonic acidemia with homocystinuria, type cblX. Last evaluated: 2023-10-18. Review status: criteria provided, single submitter. Criteria: Invitae Variant Classification Sherloc (09022015). Collection method: clinical testing. Allele origin: germline.
Comment: This sequence change replaces threonine, which is neutral and polar, with serine, which is neutral and polar, at codon 2010 of the HCFC1 protein (p.Thr2010Ser). This variant is not present in population databases (gnomAD no frequency). This variant has not been reported in the literature in individuals affected with HCFC1-related conditions. Algorithms developed to predict the effect of missense changes on protein structure and function output the following: SIFT: "Not Available"; PolyPhen-2: "Benign"; Align-GVGD: "Not Available". The serine amino acid residue is found in multiple mammalian species, which suggests that this missense change does not adversely affect protein function. In summary, the available evidence is currently insufficient to determine the role of this variant in disease. Therefore, it has been classified as a Variant of Uncertain Significance.